The following is an entry in ClinVar:

NM_006208.3(ENPP1):c.2120A>C (p.Asp707Ala)

Gene: ENPP1 (ectonucleotide pyrophosphatase/phosphodiesterase 1; plus strand). Cytogenetic location: 6q23.2.
Variant type: single nucleotide variant.
Coding change: c.2120A>C on transcript NM_006208.3 (MANE Select); coding-DNA position 2120, A replaced by C.
Protein change: p.Asp707Ala; replaces aspartic acid 707 with alanine.
Molecular consequence: missense variant.
Genome position (GRCh38, 1-based): chr6:131,882,364, A>C. VCF-style: chr6-131882364-A-C. GRCh37 (hg19) VCF-style: chr6-132203504-A-C.
Other names: short protein forms D707A.
Identifiers: ClinVar variation 3700670 (VCV003700670.2).

ClinVar aggregate classification (germline): Uncertain significance (1 of 4 stars; one submission).

gnomAD v4.1: 1 of 1,603,910 alleles (0.000062%); highest among the groups gnomAD compares: Non-Finnish European, 0.000085%; no homozygotes.

Submission:

Labcorp Genetics (formerly Invitae), Labcorp
Classification: Uncertain significance. Last evaluated: 2024-07-17. Review status: criteria provided, single submitter. Criteria: Invitae Variant Classification Sherloc (09022015). Collection method: clinical testing. Allele origin: germline.
Comment: This sequence change replaces aspartic acid, which is acidic and polar, with alanine, which is neutral and non-polar, at codon 707 of the ENPP1 protein (p.Asp707Ala). This variant is present in population databases (no rsID available, gnomAD 0.007%). This variant has not been reported in the literature in individuals affected with ENPP1-related conditions. Advanced modeling of protein sequence and biophysical properties (such as structural, functional, and spatial information, amino acid conservation, physicochemical variation, residue mobility, and thermodynamic stability) performed at Invitae indicates that this missense variant is not expected to disrupt ENPP1 protein function with a negative predictive value of 80%. In summary, the available evidence is currently insufficient to determine the role of this variant in disease. Therefore, it has been classified as a Variant of Uncertain Significance.